The following is an entry in ClinVar:

ClinVar aggregate classification (germline): Likely benign (0 of 4 stars; one submission).

Conditions:
HIVEP2-related disorder. Also called: HIVEP2-related condition.

Allele frequency attached by ClinVar (database versions not stated): gnomAD exomes below 0.00001; gnomAD 0.00001; TOPMed 0.00003.
gnomAD v4.1: 9 of 1,613,948 alleles (0.00056%); highest among the groups gnomAD compares: African/African-American, 0.0053%; no homozygotes.

Submission:

PreventionGenetics, part of Exact Sciences
Classification: Likely benign for HIVEP2-related condition. Last evaluated: 2019-09-13. Review status: no assertion criteria provided. Collection method: clinical testing. Allele origin: germline.
Comment: This variant is classified as likely benign based on ACMG/AMP sequence variant interpretation guidelines (Richards et al. 2015 PMID: 25741868, with internal and published modifications).

NM_006734.4(HIVEP2):c.6969G>A (p.Glu2323=)

Gene: HIVEP2 (HIVEP zinc finger 2; minus strand). Cytogenetic location: 6q24.2.
Variant type: single nucleotide variant.
Coding change: c.6969G>A on transcript NM_006734.4 (MANE Select); coding-DNA position 6969, G replaced by A.
Protein change: p.Glu2323=; no amino-acid change (glutamic acid 2323 retained).
Molecular consequence: synonymous variant.
Genome position (GRCh38, 1-based): chr6:142,753,479, C>T on the plus strand (G>A on the coding strand, the complement: HIVEP2 is on the minus strand). VCF-style: chr6-142753479-C-T. GRCh37 (hg19) VCF-style: chr6-143074616-C-T.
Identifiers: ClinVar variation 3040218 (VCV003040218.2), dbSNP rs1327630695, ClinGen allele CA452730726.
Genomic context (GRCh38, chr6:142,753,479, plus strand): 5'-TGCCTCTTCCGTGGCAATCCGGAGAGAGGCAATGGCTTTTGTACAAGTCTGTATATTTTC[C>T]TCCTGTTCCCGCTCTGTTGCGTTTAGGCTGTCTTCCGAAGTGCTCTGTTTCATCAACAGC-3'
Protein context (NP_006725.3, residues 2313-2333): DSLNATEREQ[Glu2323=]ENIQTCTKAI